The following is an entry in ClinVar:

ClinVar aggregate classification (germline): Uncertain significance (1 of 4 stars; one submission).

Conditions:
Inborn genetic diseases. Identifiers: MedGen C0950123, MeSH D030342.

Submission:

Ambry Genetics
Classification: Uncertain significance for Inborn genetic diseases. Last evaluated: 2014-07-08. Review status: criteria provided, single submitter. Criteria: Ambry Variant Classification Scheme 2023. Collection method: clinical testing. Allele origin: germline.
Comment: The p.H542N variant (also known as c.1624C>A), located in coding exon 5 of the ARX gene, results from a C to A substitution at nucleotide position 1624. The histidine at codon 542 is replaced by asparagine, an amino acid with similar properties. This variant was not reported in population based cohorts in the following databases: Database of Single Nucleotide Polymorphisms (dbSNP), NHLBI Exome Sequencing Project (ESP), and 1000 Genomes Project. In the ESP, this variant was not observed in 5851 samples with coverage at this position. This amino acid position is highly conserved in available vertebrate species. In addition, this alteration is predicted to be possibly damaging and deleterious by PolyPhen and SIFT in silico analyses, respectively. Since supporting evidence is limited at this time, the clinical significance of this variant remains unclear.

NM_139058.3(ARX):c.1624C>A (p.His542Asn)

Gene: ARX (aristaless related homeobox; minus strand). Cytogenetic location: Xp21.3.
Variant type: single nucleotide variant.
Coding change: c.1624C>A on transcript NM_139058.3 (MANE Select); coding-DNA position 1624, C replaced by A.
Protein change: p.His542Asn; replaces histidine 542 with asparagine.
Molecular consequence: missense variant.
Genome position (GRCh38, 1-based): chrX:25,004,735, G>T on the plus strand (C>A on the coding strand, the complement: ARX is on the minus strand). VCF-style: chrX-25004735-G-T. GRCh37 (hg19) VCF-style: chrX-25022852-G-T.
Other names: short protein forms H542N.
Identifiers: ClinVar variation 1776661 (VCV001776661.2), dbSNP rs2519099176, ClinGen allele CA412610625.